The following is an entry in ClinVar:

ClinVar aggregate classification (germline): Uncertain significance (1 of 4 stars; one submission).

Conditions:
Familial cancer of breast. Also called: hereditary breast carcinoma; Hereditary breast cancer; BREAST CANCER, FAMILIAL. Identifiers: Orphanet 227535, MedGen C0346153, MONDO:0016419, OMIM 114480. Disease mechanism: loss of function.

Submission:

Labcorp Genetics (formerly Invitae), Labcorp
Classification: Uncertain significance for Familial cancer of breast. Last evaluated: 2025-02-11. Review status: criteria provided, single submitter. Criteria: Invitae Variant Classification Sherloc (09022015). Collection method: clinical testing. Allele origin: germline.
Comment: This sequence change replaces isoleucine, which is neutral and non-polar, with valine, which is neutral and non-polar, at codon 717 of the BARD1 protein (p.Ile717Val). This variant is not present in population databases (gnomAD no frequency). This variant has not been reported in the literature in individuals affected with BARD1-related conditions. ClinVar contains an entry for this variant (Variation ID: 3004841). An algorithm developed to predict the effect of missense changes on protein structure and function outputs the following: PolyPhen-2: "Benign". The valine amino acid residue is found in multiple mammalian species, which suggests that this missense change does not adversely affect protein function. In summary, the available evidence is currently insufficient to determine the role of this variant in disease. Therefore, it has been classified as a Variant of Uncertain Significance.

NM_000465.4(BARD1):c.2149A>G (p.Ile717Val)

Gene: BARD1 (BRCA1 associated RING domain 1; minus strand). Cytogenetic location: 2q35.
Variant type: single nucleotide variant.
Coding change: c.2149A>G on transcript NM_000465.4 (MANE Select); coding-DNA position 2149, A replaced by G.
Protein change: p.Ile717Val; replaces isoleucine 717 with valine.
Molecular consequence: missense variant. On other transcripts: non-coding transcript variant (3).
Genome position (GRCh38, 1-based): chr2:214,728,861, T>C on the plus strand (A>G on the coding strand, the complement: BARD1 is on the minus strand). VCF-style: chr2-214728861-T-C. GRCh37 (hg19) VCF-style: chr2-215593585-T-C.
Other names: c.2092A>G, p.Ile698Val (NM_001282543.2); c.796A>G, p.Ile266Val (NM_001282545.2); c.739A>G, p.Ile247Val (NM_001282548.2); c.610A>G, p.Ile204Val (NM_001282549.2); short protein forms I266V, I717V, I204V, I247V, I698V.
Identifiers: ClinVar variation 3004841 (VCV003004841.3), dbSNP rs2469269747, ClinGen allele CA350450473.